The following is an entry in ClinVar:

ClinVar aggregate classification (germline): Uncertain significance (1 of 4 stars; one submission).

Allele frequency attached by ClinVar (database versions not stated): ExAC 0.00002; gnomAD 0.00003; TOPMed 0.00006.
gnomAD v4.1: 32 of 1,613,764 alleles (0.002%); highest among the groups gnomAD compares: Non-Finnish European, 0.0025%; no homozygotes.

Submission:

Labcorp Genetics (formerly Invitae), Labcorp
Classification: Uncertain significance. Last evaluated: 2023-10-22. Review status: criteria provided, single submitter. Criteria: Invitae Variant Classification Sherloc (09022015). Collection method: clinical testing. Allele origin: germline.
Comment: This sequence change replaces arginine, which is basic and polar, with cysteine, which is neutral and slightly polar, at codon 893 of the FBN3 protein (p.Arg893Cys). This variant is present in population databases (rs752572163, gnomAD 0.006%). This variant has not been reported in the literature in individuals affected with FBN3-related conditions. Advanced modeling of protein sequence and biophysical properties (such as structural, functional, and spatial information, amino acid conservation, physicochemical variation, residue mobility, and thermodynamic stability) performed at Invitae indicates that this missense variant is not expected to disrupt FBN3 protein function. In summary, the available evidence is currently insufficient to determine the role of this variant in disease. Therefore, it has been classified as a Variant of Uncertain Significance.

NM_032447.5(FBN3):c.2677C>T (p.Arg893Cys)

Gene: FBN3 (fibrillin 3; minus strand). Cytogenetic location: 19p13.2.
Variant type: single nucleotide variant.
Coding change: c.2677C>T on transcript NM_032447.5 (MANE Select); coding-DNA position 2677, C replaced by T.
Protein change: p.Arg893Cys; replaces arginine 893 with cysteine.
Molecular consequence: missense variant.
Genome position (GRCh38, 1-based): chr19:8,125,946, G>A on the plus strand (C>T on the coding strand, the complement: FBN3 is on the minus strand). VCF-style: chr19-8125946-G-A. GRCh37 (hg19) VCF-style: chr19-8190830-G-A.
Other names: c.2677C>T, p.Arg893Cys (NM_001321431.2); short protein forms R893C.
Identifiers: ClinVar variation 2720062 (VCV002720062.3), dbSNP rs752572163, ClinGen allele CA9152767.